The following is an entry in ClinVar:

ClinVar aggregate classification (germline): Likely benign. Review status: criteria provided, multiple submitters, no conflicts (2 of 4 stars). 3 submissions from 3 submitters: Likely benign (3). Last evaluated 2025-10-30.

Conditions:
Baller-Gerold syndrome (BGS). Also called: CRANIOSYNOSTOSIS WITH RADIAL DEFECTS. Identifiers: Orphanet 1225, MedGen C0265308, MONDO:0009039, OMIM 218600.
Inborn genetic diseases. Identifiers: MedGen C0950123, MeSH D030342.

gnomAD v4.1: 1 of 1,567,998 alleles (0.000064%); highest among the groups gnomAD compares: Non-Finnish European, 0.000086%; no homozygotes.

Submissions (3):

Ambry Genetics
Classification: Likely benign for Inborn genetic diseases. Last evaluated: 2025-10-30. Review status: criteria provided, single submitter. Criteria: Ambry Variant Classification Scheme 2023. Collection method: clinical testing. Allele origin: germline.

CeGaT Center for Human Genetics Tuebingen
Classification: Likely benign. Last evaluated: 2023-03-01. Review status: criteria provided, single submitter. Criteria: CeGaT Center For Human Genetics Tuebingen Variant Classification Criteria Version 2. Collection method: clinical testing. Allele origin: germline. Affected: yes. Observed: 1 variant allele.
Comment: RECQL4: PM2:Supporting, BP4, BP7

Labcorp Genetics (formerly Invitae), Labcorp
Classification: Likely benign for Baller-Gerold syndrome. Last evaluated: 2019-11-25. Review status: criteria provided, single submitter. Criteria: Invitae Variant Classification Sherloc (09022015). Collection method: clinical testing. Allele origin: germline.

NM_004260.4(RECQL4):c.2112C>A (p.Ile704=)

Gene: RECQL4 (RecQ like helicase 4; minus strand). Cytogenetic location: 8q24.3.
Variant type: single nucleotide variant.
Coding change: c.2112C>A on transcript NM_004260.4 (MANE Select); coding-DNA position 2112, C replaced by A.
Protein change: p.Ile704=; no amino-acid change (isoleucine 704 retained).
Molecular consequence: synonymous variant.
Genome position (GRCh38, 1-based): chr8:144,513,659, G>T on the plus strand (C>A on the coding strand, the complement: RECQL4 is on the minus strand). VCF-style: chr8-144513659-G-T. GRCh37 (hg19) VCF-style: chr8-145739043-G-T.
Other names: c.2112C>A (NM_004260.3).
Identifiers: ClinVar variation 1129827 (VCV001129827.31), dbSNP rs368140492, ClinGen allele CA463566925.